The following is an entry in ClinVar:

ClinVar aggregate classification (germline): Benign (1 of 4 stars; one submission).

Conditions:
Familial adenomatous polyposis 1 (FAP1). Also called: POLYPOSIS, ADENOMATOUS INTESTINAL; FAMILIAL ADENOMATOUS POLYPOSIS 1, ATTENUATED. Identifiers: MedGen C2713442, MONDO:0021056, OMIM 175100. Disease mechanism: loss of function.

Submission:

Myriad Genetics, Inc.
Classification: Benign for Familial adenomatous polyposis 1. Last evaluated: 2024-03-05. Review status: criteria provided, single submitter. Criteria: Myriad Autosomal Dominant, Autosomal Recessive and X-Linked Classification Criteria (2023). Collection method: clinical testing. Allele origin: unknown.
Comment: This variant is considered benign. This variant is intronic and is not expected to impact mRNA splicing.

NM_000038.6(APC):c.1549-30_1549-27del

Gene: APC (APC regulator of Wnt signaling pathway; plus strand). Cytogenetic location: 5q22.2.
Variant type: Deletion.
Coding change: c.1549-30_1549-27del on transcript NM_000038.6 (MANE Select); 30 bases into the intron before coding-DNA position 1549 through 27 bases into the intron before coding-DNA position 1549, 4 bases deleted (ATGA; older notation c.1549-30_1549-27delATGA).
Molecular consequence: intron variant.
Genome position (GRCh38, 1-based): chr5:112,827,899-112,827,902, ATGA deleted; deleting any 4 consecutive bases within chr5:112,827,898-112,827,902 gives the same sequence; the c. name uses the placement nearest the transcript's 3' end. VCF-style (leftmost placement, unchanged base first): chr5-112827897-TAATG-T. GRCh37 (hg19) VCF-style: chr5-112163594-TAATG-T.
Other names: c.700-30_700-27del (NM_001407470.1, NM_001354906.2); c.397-30_397-27del (NM_001407472.1, NM_001407471.1); c.1603-30_1603-27del (NM_001407447.1, NM_001407448.1, NM_001407449.1 and 1 more transcripts); c.1549-30_1549-27del (NM_001354895.2, NM_001407450.1, NM_001127510.3); c.1300-30_1300-27del (NM_001407456.1, NM_001407457.1, NM_001407455.1 and 1 more transcripts); c.1246-30_1246-27del (NM_001407460.1, NM_001407458.1, NM_001407459.1 and 1 more transcripts); c.1519-30_1519-27del (NM_001407452.1); c.1162-30_1162-27del (NM_001407469.1, NM_001407467.1); and 11 more.
Identifiers: ClinVar variation 3148022 (VCV003148022.1), dbSNP rs2533216562, ClinGen allele CA2825001349.